The following is an entry in ClinVar:

NM_001385012.1(NBEA):c.1812C>A (p.Ile604=)

Gene: NBEA (neurobeachin; plus strand). Cytogenetic location: 13q13.3.
Variant type: single nucleotide variant.
Coding change: c.1812C>A on transcript NM_001385012.1 (MANE Select); coding-DNA position 1812, C replaced by A.
Protein change: p.Ile604=; no amino-acid change (isoleucine 604 retained).
Molecular consequence: synonymous variant.
Genome position (GRCh38, 1-based): chr13:35,109,421, C>A. VCF-style: chr13-35109421-C-A. GRCh37 (hg19) VCF-style: chr13-35683558-C-A.
Other names: c.1812C>A, p.Ile604= (NM_001379245.1, NM_015678.5).
Identifiers: ClinVar variation 2643741 (VCV002643741.24), dbSNP rs752699725, ClinGen allele CA6946325.

ClinVar aggregate classification (germline): Likely benign (1 of 4 stars; one submission).

Allele frequency attached by ClinVar (database versions not stated): gnomAD exomes 0.00001; ExAC 0.00002.
gnomAD v4.1: 7 of 1,610,876 alleles (0.00043%); highest among the groups gnomAD compares: South Asian, 0.0055%; 1 homozygote.

Submission:

CeGaT Center for Human Genetics Tuebingen
Classification: Likely benign. Last evaluated: 2023-02-01. Review status: criteria provided, single submitter. Criteria: CeGaT Center For Human Genetics Tuebingen Variant Classification Criteria Version 2. Collection method: clinical testing. Allele origin: germline. Affected: yes. Observed: 1 variant allele.
Comment: NBEA: BP4, BP7